The following is an entry in ClinVar:

ClinVar aggregate classification (germline): Uncertain significance (1 of 4 stars; one submission).

Allele frequency attached by ClinVar (database versions not stated): TOPMed below 0.00001; gnomAD 0.00001.
gnomAD v4.1: 1 of 1,209,013 alleles (0.000083%); highest among the groups gnomAD compares: African/African-American, 0.0017%; no homozygotes.

Submission:

Labcorp Genetics (formerly Invitae), Labcorp
Classification: Uncertain significance. Last evaluated: 2021-09-16. Review status: criteria provided, single submitter. Criteria: Invitae Variant Classification Sherloc (09022015). Collection method: clinical testing. Allele origin: germline.
Comment: In summary, the available evidence is currently insufficient to determine the role of this variant in disease. Therefore, it has been classified as a Variant of Uncertain Significance. Algorithms developed to predict the effect of missense changes on protein structure and function (SIFT, PolyPhen-2, Align-GVGD) all suggest that this variant is likely to be tolerated. This variant has not been reported in the literature in individuals affected with CACNA1F-related conditions. This variant is not present in population databases (ExAC no frequency). This sequence change replaces alanine with threonine at codon 291 of the CACNA1F protein (p.Ala291Thr). The alanine residue is weakly conserved and there is a small physicochemical difference between alanine and threonine.

NM_001256789.3(CACNA1F):c.871G>A (p.Ala291Thr)

Gene: CACNA1F (calcium voltage-gated channel subunit alpha1 F; minus strand). Cytogenetic location: Xp11.23.
Variant type: single nucleotide variant.
Coding change: c.871G>A on transcript NM_001256789.3 (MANE Select); coding-DNA position 871, G replaced by A.
Protein change: p.Ala291Thr; replaces alanine 291 with threonine.
Molecular consequence: missense variant.
Genome position (GRCh38, 1-based): chrX:49,228,394, C>T on the plus strand (G>A on the coding strand, the complement: CACNA1F is on the minus strand). VCF-style: chrX-49228394-C-T. GRCh37 (hg19) VCF-style: chrX-49084856-C-T.
Other names: c.676G>A, p.Ala226Thr (NM_001256790.3); c.871G>A, p.Ala291Thr (NM_005183.4); short protein forms A226T, A291T.
Identifiers: ClinVar variation 1500597 (VCV001500597.6), dbSNP rs782498192, ClinGen allele CA412923235.